The following is an entry in ClinVar:

NM_145698.5(ACBD5):c.1184C>G (p.Ser395Cys)

Gene: ACBD5 (acyl-CoA binding domain containing 5; minus strand). Cytogenetic location: 10p12.1.
Variant type: single nucleotide variant.
Coding change: c.1184C>G on transcript NM_145698.5 (MANE Select); coding-DNA position 1184, C replaced by G.
Protein change: p.Ser395Cys; replaces serine 395 with cysteine.
Molecular consequence: missense variant.
Genome position (GRCh38, 1-based): chr10:27,210,834, G>C on the plus strand (C>G on the coding strand, the complement: ACBD5 is on the minus strand). VCF-style: chr10-27210834-G-C. GRCh37 (hg19) VCF-style: chr10-27499763-G-C.
Other names: c.875C>G, p.Ser292Cys (NM_001352582.2); c.857C>G, p.Ser286Cys (NM_001352583.1, NM_001352584.1, NM_001301251.2 and 2 more transcripts); c.890C>G, p.Ser297Cys (NM_001352585.1); c.1007C>G, p.Ser336Cys (NM_001352586.1); c.974C>G, p.Ser325Cys (NM_001352587.1); c.980C>G, p.Ser327Cys (NM_001352588.1); c.1079C>G, p.Ser360Cys (NM_001042473.4, NM_001352577.2, NM_001352578.2 and 1 more transcripts); c.1178C>G, p.Ser393Cys (NM_001271512.3); and 10 more; short protein forms S218C, S286C, S292C, S297C, S325C, S327C, S336C, S338C.
Identifiers: ClinVar variation 1001483 (VCV001001483.7), dbSNP rs144318021, ClinGen allele CA5450730.

ClinVar aggregate classification (germline): Uncertain significance (1 of 4 stars; one submission).

Allele frequency attached by ClinVar (database versions not stated): TOPMed 0.00002; gnomAD exomes 0.00003.
gnomAD v4.1: 45 of 1,614,020 alleles (0.0028%); highest among the groups gnomAD compares: Non-Finnish European, 0.0036%; no homozygotes.

Submission:

Labcorp Genetics (formerly Invitae), Labcorp
Classification: Uncertain significance. Last evaluated: 2022-11-03. Review status: criteria provided, single submitter. Criteria: Invitae Variant Classification Sherloc (09022015). Collection method: clinical testing. Allele origin: germline.
Comment: Advanced modeling of protein sequence and biophysical properties (such as structural, functional, and spatial information, amino acid conservation, physicochemical variation, residue mobility, and thermodynamic stability) performed at Invitae indicates that this missense variant is not expected to disrupt ACBD5 protein function. In summary, the available evidence is currently insufficient to determine the role of this variant in disease. Therefore, it has been classified as a Variant of Uncertain Significance. This sequence change replaces serine, which is neutral and polar, with cysteine, which is neutral and slightly polar, at codon 395 of the ACBD5 protein (p.Ser395Cys). This variant is present in population databases (rs144318021, gnomAD 0.003%). This variant has not been reported in the literature in individuals affected with ACBD5-related conditions. ClinVar contains an entry for this variant (Variation ID: 1001483).